The following is an entry in ClinVar:

ClinVar aggregate classification (germline): Uncertain significance (1 of 4 stars; one submission).

Submission:

CeGaT Center for Human Genetics Tuebingen
Classification: Uncertain significance. Last evaluated: 2024-01-01. Review status: criteria provided, single submitter. Criteria: CeGaT Center For Human Genetics Tuebingen Variant Classification Criteria Version 2. Collection method: clinical testing. Allele origin: germline. Affected: yes. Observed: 1 variant allele.
Comment: SHANK3: PM2

NM_001372044.2(SHANK3):c.2039C>G (p.Pro680Arg)

Genes: SHANK3 (SH3 and multiple ankyrin repeat domains 3; plus strand), LOC126863188 (CDK7 strongly-dependent group 2 enhancer GRCh37_chr22:51142004-51143203; plus strand). Cytogenetic location: 22q13.33.
Variant type: single nucleotide variant.
Coding change: c.2039C>G on transcript NM_001372044.2 (MANE Select); coding-DNA position 2039, C replaced by G.
Protein change: p.Pro680Arg; replaces proline 680 with arginine.
Molecular consequence: missense variant.
Genome position (GRCh38, 1-based): chr22:50,704,780, C>G. VCF-style: chr22-50704780-C-G. GRCh37 (hg19) VCF-style: chr22-51143208-C-G.
Other names: c.1814C>G, p.Pro605Arg (NM_033517.1); short protein forms P605R, P680R.
Identifiers: ClinVar variation 3026895 (VCV003026895.22), dbSNP rs2083148210, ClinGen allele CA515256372.